The following is an entry in ClinVar:

ClinVar aggregate classification (germline): Uncertain significance. Review status: criteria provided, multiple submitters, no conflicts (2 of 4 stars). 4 submissions from 4 submitters: Uncertain significance (4). Last evaluated 2025-08-11.

Conditions:
Inborn genetic diseases. Identifiers: MedGen C0950123, MeSH D030342.
Dyskeratosis congenita, autosomal recessive 6 (DKCB6). Identifiers: MedGen C4225356, MONDO:0014600, OMIM 616353.
Pulmonary fibrosis and/or bone marrow failure, Telomere-related, 4. Also called: PULMONARY FIBROSIS AND/OR BONE MARROW FAILURE SYNDROME, TELOMERE-RELATED, 4. Identifiers: Orphanet 2032, MedGen C4225347, MONDO:0014612, OMIM 616371.

Allele frequency attached by ClinVar (database versions not stated): gnomAD exomes below 0.00001; gnomAD 0.00002; TOPMed 0.00002.
gnomAD v4.1: 4 of 1,613,640 alleles (0.00025%); highest among the groups gnomAD compares: African/African-American, 0.0053%; no homozygotes.

Submissions (4):

Ambry Genetics
Classification: Uncertain significance for Inborn genetic diseases. Last evaluated: 2025-08-11. Review status: criteria provided, single submitter. Criteria: Ambry Variant Classification Scheme 2023. Collection method: clinical testing. Allele origin: germline.

Fulgent Genetics
Classification: Uncertain significance for Dyskeratosis congenita, autosomal recessive 6; Pulmonary fibrosis and/or bone marrow failure, Telomere-related, 4. Last evaluated: 2024-01-06. Review status: criteria provided, single submitter. Criteria: ACMG Guidelines, 2015. Collection method: clinical testing. Allele origin: germline.

Labcorp Genetics (formerly Invitae), Labcorp
Classification: Uncertain significance for Dyskeratosis congenita, autosomal recessive 6; Pulmonary fibrosis and/or bone marrow failure, Telomere-related, 4. Last evaluated: 2023-01-09. Review status: criteria provided, single submitter. Criteria: Invitae Variant Classification Sherloc (09022015). Collection method: clinical testing. Allele origin: germline.
Comment: ClinVar contains an entry for this variant (Variation ID: 501664). In summary, the available evidence is currently insufficient to determine the role of this variant in disease. Therefore, it has been classified as a Variant of Uncertain Significance. Algorithms developed to predict the effect of missense changes on protein structure and function (SIFT, PolyPhen-2, Align-GVGD) all suggest that this variant is likely to be tolerated. This variant has not been reported in the literature in individuals affected with PARN-related conditions. This variant is present in population databases (no rsID available, gnomAD 0.01%). This sequence change replaces glutamic acid, which is acidic and polar, with glutamine, which is neutral and polar, at codon 590 of the PARN protein (p.Glu590Gln).

Eurofins Ntd Llc (ga)
Classification: Uncertain significance. Last evaluated: 2017-04-28. Review status: criteria provided, single submitter. Criteria: EGL Classification Definitions 2015. Collection method: clinical testing. Allele origin: germline. Observed: 1 variant allele, 1 heterozygote.

NM_002582.4(PARN):c.1768G>C (p.Glu590Gln)

Gene: PARN (poly(A)-specific ribonuclease; minus strand). Cytogenetic location: 16p13.12.
Variant type: single nucleotide variant.
Coding change: c.1768G>C on transcript NM_002582.4 (MANE Select); coding-DNA position 1768, G replaced by C.
Protein change: p.Glu590Gln; replaces glutamic acid 590 with glutamine.
Molecular consequence: missense variant.
Genome position (GRCh38, 1-based): chr16:14,446,984, C>G on the plus strand (G>C on the coding strand, the complement: PARN is on the minus strand). VCF-style: chr16-14446984-C-G. GRCh37 (hg19) VCF-style: chr16-14540841-C-G.
Other names: c.1768G>C, p.Glu590Gln (LRG_1286t1); c.1585G>C, p.Glu529Gln (NM_001134477.3); c.1630G>C, p.Glu544Gln (NM_001242992.2); c.1768G>C (NM_002582.3); short protein forms E590Q, E544Q, E529Q.
Identifiers: ClinVar variation 501664 (VCV000501664.17), dbSNP rs975097908, ClinGen allele CA278950346.